The following is an entry in ClinVar:

ClinVar aggregate classification (germline): Uncertain significance (1 of 4 stars; one submission).

Conditions:
Parathyroid carcinoma (PRTC). Also called: CDC73-Related Parathyroid Carcinoma; Parathyroid gland carcinoma. Identifiers: Orphanet 143, MedGen C0687150, MONDO:0012004, OMIM 608266, HP:0006780.

Submission:

Labcorp Genetics (formerly Invitae), Labcorp
Classification: Uncertain significance for Parathyroid carcinoma. Last evaluated: 2022-12-20. Review status: criteria provided, single submitter. Criteria: Invitae Variant Classification Sherloc (09022015). Collection method: clinical testing. Allele origin: germline.
Comment: In summary, the available evidence is currently insufficient to determine the role of this variant in disease. Therefore, it has been classified as a Variant of Uncertain Significance. Experimental studies and prediction algorithms are not available or were not evaluated, and the functional significance of this variant is currently unknown. ClinVar contains an entry for this variant (Variation ID: 659234). This variant has not been reported in the literature in individuals affected with CDC73-related conditions. This variant is not present in population databases (gnomAD no frequency). This variant, c.46_48del, results in the deletion of 1 amino acid(s) of the CDC73 protein (p.Lys16del), but otherwise preserves the integrity of the reading frame.

NM_024529.5(CDC73):c.43AAG[1] (p.Lys16del)

Gene: CDC73 (cell division cycle 73; plus strand). Cytogenetic location: 1q31.2.
Variant type: Microsatellite.
Coding change: c.43AAG[1] on transcript NM_024529.5 (MANE Select); one copy of the 3-base unit AAG starting at c.43; the reference has two copies in a row; one copy, 3 bases deleted.
Protein change: p.Lys16del; deletes lysine 16.
Molecular consequence: inframe deletion.
Genome position (GRCh38, 1-based): chr1:193,122,246-193,122,248, AAG deleted; deleting any 3 consecutive bases within chr1:193,122,241-193,122,248 gives the same sequence; the position shown is the placement nearest the transcript's 3' end. VCF-style (leftmost placement, unchanged base first): chr1-193122240-CAGA-C. GRCh37 (hg19) VCF-style: chr1-193091370-CAGA-C.
Other names: c.46_48delAAG (NM_024529.4); short protein forms K16del.
Identifiers: ClinVar variation 659234 (VCV000659234.11), dbSNP rs1572139757, ClinGen allele CA915941921.